The following is an entry in ClinVar:

ClinVar aggregate classification (germline): Uncertain significance. Review status: criteria provided, multiple submitters, no conflicts (2 of 4 stars). 2 submissions from 2 submitters: Uncertain significance (2). Last evaluated 2024-12-18.

Conditions:
CODAS syndrome. Also called: CEREBRAL, OCULAR, DENTAL, AURICULAR, AND SKELETAL ANOMALIES SYNDROME. Identifiers: Orphanet 1458, MedGen C1838180, MONDO:0010879, OMIM 600373.

Allele frequency attached by ClinVar (database versions not stated): gnomAD 0.00001.
gnomAD v4.1: 1 of 1,486,928 alleles (0.000067%); highest among the groups gnomAD compares: African/African-American, 0.0015%; no homozygotes.

Submissions (2):

Genomic Medicine Center of Excellence, King Faisal Specialist Hospital and Research Centre
Classification: Uncertain significance for CODAS syndrome. Last evaluated: 2024-12-18. Review status: criteria provided, single submitter. Criteria: ACMG Guidelines, 2015. Collection method: clinical testing. Allele origin: germline.

Labcorp Genetics (formerly Invitae), Labcorp
Classification: Uncertain significance. Last evaluated: 2022-11-13. Review status: criteria provided, single submitter. Criteria: Invitae Variant Classification Sherloc (09022015). Collection method: clinical testing. Allele origin: germline.
Comment: Algorithms developed to predict the effect of missense changes on protein structure and function are either unavailable or do not agree on the potential impact of this missense change (SIFT: "Tolerated"; PolyPhen-2: "Probably Damaging"; Align-GVGD: "Class C0"). In summary, the available evidence is currently insufficient to determine the role of this variant in disease. Therefore, it has been classified as a Variant of Uncertain Significance. This missense change has been observed in individual(s) with autosomal recessive LONP1-related conditions (PMID: 27878435). This sequence change replaces arginine, which is basic and polar, with proline, which is neutral and non-polar, at codon 15 of the LONP1 protein (p.Arg15Pro). This variant is not present in population databases (gnomAD no frequency).

Literature cited by the submitters: PubMed 27878435 (cited by Labcorp Genetics (formerly Invitae), Labcorp).

NM_004793.4(LONP1):c.44G>C (p.Arg15Pro)

Gene: LONP1 (lon peptidase 1, mitochondrial; minus strand). Cytogenetic location: 19p13.3.
Variant type: single nucleotide variant.
Coding change: c.44G>C on transcript NM_004793.4 (MANE Select); coding-DNA position 44, G replaced by C.
Protein change: p.Arg15Pro; replaces arginine 15 with proline.
Molecular consequence: missense variant. On other transcripts: non-coding transcript variant (1), intron variant (1).
Genome position (GRCh38, 1-based): chr19:5,720,089, C>G on the plus strand (G>C on the coding strand, the complement: LONP1 is on the minus strand). VCF-style: chr19-5720089-C-G. GRCh37 (hg19) VCF-style: chr19-5720100-C-G.
Other names: c.-160+130G>C (NM_001276480.1); c.44G>C, p.Arg15Pro (NM_001276479.2); short protein forms R15P.
Identifiers: ClinVar variation 2736762 (VCV002736762.4), dbSNP rs2055414315, ClinGen allele CA403544768.